The following is an entry in ClinVar:

NM_178012.5(TUBB2B):c.795C>A (p.Phe265Leu)

Gene: TUBB2B (tubulin beta 2B class IIb; minus strand). Cytogenetic location: 6p25.2.
Variant type: single nucleotide variant.
Coding change: c.795C>A on transcript NM_178012.5 (MANE Select); coding-DNA position 795, C replaced by A.
Protein change: p.Phe265Leu; replaces phenylalanine 265 with leucine.
Molecular consequence: missense variant.
Genome position (GRCh38, 1-based): chr6:3,225,294, G>T on the plus strand (C>A on the coding strand, the complement: TUBB2B is on the minus strand). VCF-style: chr6-3225294-G-T. GRCh37 (hg19) VCF-style: chr6-3225528-G-T.
Other names: short protein forms F265L.
Identifiers: ClinVar variation 4526588 (VCV004526588.1).
Genomic context (GRCh38, chr6:3,225,294, plus strand): 5'-CGTGAGCGCCCGGTACTGCTGGCTGCCCCGGCTGGTCAGGGGCGCGAAGCCGGGCATGAA[G>T]AAGTGCAGGCGAGGGAAGGGCACCATGTTCACCGCCAGCTTGCGCAGGTCTGCGTTCAGC-3'
Protein context (NP_821080.1, residues 255-275): VNMVPFPRLH[Phe265Leu]FMPGFAPLTS

ClinVar aggregate classification (germline): Pathogenic (1 of 4 stars; one submission).

Conditions:
Complex cortical dysplasia with other brain malformations 7. Identifiers: Orphanet 300573, MedGen C3552236, MONDO:0012399, OMIM 610031.

Submission:

Beijing Obstetrics and Gynecology Hospital, Capital Medical University
Classification: Pathogenic for Complex cortical dysplasia with other brain malformations 7. Last evaluated: 2024-02-06. Review status: criteria provided, single submitter. Criteria: ACMG Guidelines, 2015. Collection method: provider interpretation. Allele origin: de novo. Inheritance: Autosomal dominant inheritance. Affected: yes. Observed: 1 heterozygote.
Comment: We classify the TUBB2B c.795C>A (p.Phe265Leu) variant as pathogenic based on the following evidence according to ACMG/AMP guidelines. PS3, Established Functional Evidence: The TUBB2B p.Phe265Leu variant has been functionally shown to disrupt microtubule dynamics and cause neuronal migration defects in experimental models, confirming its damaging effect on gene function. This can be supported by literature on TUBB2B functional impact. PP2, Missense Tolerance of TUBB2B: TUBB2B is intolerant of missense variation (low missense constraint score in gnomAD), and missense variants are a well-established disease mechanism for this gene, with a high rate of pathogenicity. PM5, Different Missense Change at Same Codon: This novel variant occurs at the same residue (Phe265) where other missense changes (e.g., p.Phe265Val) have been previously reported as pathogenic, indicating the critical importance of this residue. PM2, Absent from Population Databases: The variant is absent from control populations in databases such as gnomAD, supporting its rarity and not being a common benign polymorphism. The de novo occurrence of this variant in a fetus with a highly specific and congruent phenotype (polymicrogyria, cerebellar hypoplasia) provides strong clinical correlation with the known TUBB2B-related disorder spectrum.

Literature cited by the submitters: PubMed 30585108.